The following is an entry in ClinVar:

ClinVar aggregate classification (germline): Uncertain significance (1 of 4 stars; one submission).

Conditions:
Baller-Gerold syndrome (BGS). Also called: CRANIOSYNOSTOSIS WITH RADIAL DEFECTS. Identifiers: Orphanet 1225, MedGen C0265308, MONDO:0009039, OMIM 218600.

gnomAD v4.1: 1 of 1,612,538 alleles (0.000062%); highest among the groups gnomAD compares: Non-Finnish European, 0.000085%; no homozygotes.

Submission:

Labcorp Genetics (formerly Invitae), Labcorp
Classification: Uncertain significance for Baller-Gerold syndrome. Last evaluated: 2021-10-24. Review status: criteria provided, single submitter. Criteria: Invitae Variant Classification Sherloc (09022015). Collection method: clinical testing. Allele origin: germline.
Comment: Experimental studies and prediction algorithms are not available or were not evaluated, and the functional significance of this variant is currently unknown. In summary, the available evidence is currently insufficient to determine the role of this variant in disease. Therefore, it has been classified as a Variant of Uncertain Significance. This sequence change replaces glycine with arginine at codon 1178 of the RECQL4 protein (p.Gly1178Arg). The glycine residue is highly conserved and there is a moderate physicochemical difference between glycine and arginine. This variant is not present in population databases (ExAC no frequency). This variant has not been reported in the literature in individuals affected with RECQL4-related conditions.

NM_004260.4(RECQL4):c.3532G>C (p.Gly1178Arg)

Gene: RECQL4 (RecQ like helicase 4; minus strand). Cytogenetic location: 8q24.3.
Variant type: single nucleotide variant.
Coding change: c.3532G>C on transcript NM_004260.4 (MANE Select); coding-DNA position 3532, G replaced by C.
Protein change: p.Gly1178Arg; replaces glycine 1178 with arginine.
Molecular consequence: missense variant.
Genome position (GRCh38, 1-based): chr8:144,511,526, C>G on the plus strand (G>C on the coding strand, the complement: RECQL4 is on the minus strand). VCF-style: chr8-144511526-C-G. GRCh37 (hg19) VCF-style: chr8-145736909-C-G.
Other names: short protein forms G1178R.
Identifiers: ClinVar variation 1445019 (VCV001445019.6), dbSNP rs776146178, ClinGen allele CA372666040.